The following is an entry in ClinVar:

NM_001271.4(CHD2):c.3066+180G>A

Genes: CHD2 (chromodomain helicase DNA binding protein 2; plus strand), LOC126862230 (P300/CBP strongly-dependent group 1 enhancer GRCh37_chr15:93523977-93525176; plus strand). Cytogenetic location: 15q26.1.
Variant type: single nucleotide variant.
Coding change: c.3066+180G>A on transcript NM_001271.4 (MANE Select); 180 bases into the intron after coding-DNA position 3066, G replaced by A.
Molecular consequence: intron variant.
Genome position (GRCh38, 1-based): chr15:92,981,637, G>A. VCF-style: chr15-92981637-G-A. GRCh37 (hg19) VCF-style: chr15-93524867-G-A.
Identifiers: ClinVar variation 680220 (VCV000680220.1), dbSNP rs11637185, ClinGen allele CA14125113.

ClinVar aggregate classification (germline): Benign (1 of 4 stars; one submission).

Allele frequency attached by ClinVar (database versions not stated): 1000 Genomes Project 30x 0.15881; 1000 Genomes Project 0.16334; gnomAD 0.20089 and 0.20134; TOPMed 0.20443.
gnomAD v4.1: 30,876 of 152,194 alleles (20%); highest among the groups gnomAD compares: Middle Eastern, 31%; 3,841 homozygotes.

Submission:

GeneDx
Classification: Benign. Last evaluated: 2018-06-18. Review status: criteria provided, single submitter. Criteria: GeneDx Variant Classification (06012015). Collection method: clinical testing. Allele origin: germline. Affected: yes.
Comment: This variant is considered likely benign or benign based on one or more of the following criteria: it is a conservative change, it occurs at a poorly conserved position in the protein, it is predicted to be benign by multiple in silico algorithms, and/or has population frequency not consistent with disease.